The following is an entry in ClinVar:

NM_022489.4(INF2):c.137C>T (p.Ser46Phe)

Gene: INF2 (inverted formin 2; plus strand). Cytogenetic location: 14q32.33.
Variant type: single nucleotide variant.
Coding change: c.137C>T on transcript NM_022489.4 (MANE Select); coding-DNA position 137, C replaced by T.
Protein change: p.Ser46Phe; replaces serine 46 with phenylalanine.
Molecular consequence: missense variant.
Genome position (GRCh38, 1-based): chr14:104,701,502, C>T. VCF-style: chr14-104701502-C-T. GRCh37 (hg19) VCF-style: chr14-105167839-C-T.
Other names: c.137C>T, p.Ser46Phe (NM_001031714.4, NM_032714.3); short protein forms S46F.
Identifiers: ClinVar variation 937237 (VCV000937237.9), dbSNP rs1889493279, ClinGen allele CA391225035.

ClinVar aggregate classification (germline): Uncertain significance (1 of 4 stars; one submission).

Conditions:
Charcot-Marie-Tooth disease dominant intermediate E. Also called: CHARCOT-MARIE-TOOTH NEUROPATHY WITH FOCAL SEGMENTAL GLOMERULONEPHRITIS. Identifiers: Orphanet 93114, MedGen C4302667, MONDO:0013758, OMIM 614455.
Focal segmental glomerulosclerosis 5 (FSGS5). Identifiers: Orphanet 656, MedGen C2750475, MONDO:0013191, OMIM 613237.

Submission:

Labcorp Genetics (formerly Invitae), Labcorp
Classification: Uncertain significance for Charcot-Marie-Tooth disease dominant intermediate E; Focal segmental glomerulosclerosis 5. Last evaluated: 2024-03-11. Review status: criteria provided, single submitter. Criteria: Invitae Variant Classification Sherloc (09022015). Collection method: clinical testing. Allele origin: germline.
Comment: This sequence change replaces serine, which is neutral and polar, with phenylalanine, which is neutral and non-polar, at codon 46 of the INF2 protein (p.Ser46Phe). This variant is not present in population databases (gnomAD no frequency). This variant has not been reported in the literature in individuals affected with INF2-related conditions. ClinVar contains an entry for this variant (Variation ID: 937237). Advanced modeling of protein sequence and biophysical properties (such as structural, functional, and spatial information, amino acid conservation, physicochemical variation, residue mobility, and thermodynamic stability) performed at Invitae indicates that this missense variant is expected to disrupt INF2 protein function with a positive predictive value of 95%. In summary, the available evidence is currently insufficient to determine the role of this variant in disease. Therefore, it has been classified as a Variant of Uncertain Significance.